The following is an entry in ClinVar:

ClinVar aggregate classification (germline): Conflicting classifications of pathogenicity. Review status: criteria provided, conflicting classifications (1 of 4 stars). 2 submissions from 2 submitters: Uncertain significance (1); Likely benign (1). Last evaluated 2026-09-01.

gnomAD v4.1: 10 of 1,614,028 alleles (0.00062%); highest among the groups gnomAD compares: Non-Finnish European, 0.00085%; no homozygotes.

Submissions (2):

CeGaT Center for Human Genetics Tuebingen
Classification: Likely benign. Last evaluated: 2026-09-01. Review status: criteria provided, single submitter. Criteria: CeGaT Center For Human Genetics Tuebingen Variant Classification Criteria Version 2. Collection method: clinical testing. Allele origin: germline. Affected: yes. Observed: 1 variant allele.
Comment: ANK3: BP4

Women's Health and Genetics/Laboratory Corporation of America, LabCorp
Classification: Uncertain significance. Last evaluated: 2025-11-07. Review status: criteria provided, single submitter. Criteria: LabCorp Variant Classification Summary - May 2015. Collection method: clinical testing. Allele origin: germline.
Comment: Variant summary: ANK3 c.8588A>G (p.Asn2863Ser) results in a conservative amino acid change in the encoded protein sequence. Algorithms developed to predict the effect of missense changes on protein structure and function are either unavailable or do not agree on the potential impact of this missense change. The variant allele was found at a frequency of 8e-06 in 250262 control chromosomes. The available data on variant occurrences in the general population are insufficient to allow any conclusion about variant significance. To our knowledge, no occurrence of c.8588A>G in individuals affected with ANK3-related conditions and no experimental evidence demonstrating its impact on protein function have been reported. No submitters have cited clinical-significance assessments for this variant to ClinVar. Based on the evidence outlined above, the variant was classified as uncertain significance.

NM_020987.5(ANK3):c.8588A>G (p.Asn2863Ser)

Gene: ANK3 (ankyrin 3; minus strand). Cytogenetic location: 10q21.2.
Variant type: single nucleotide variant.
Coding change: c.8588A>G on transcript NM_020987.5 (MANE Select); coding-DNA position 8588, A replaced by G.
Protein change: p.Asn2863Ser; replaces asparagine 2863 with serine.
Molecular consequence: missense variant. On other transcripts: intron variant (4).
Genome position (GRCh38, 1-based): chr10:60,072,293, T>C on the plus strand (A>G on the coding strand, the complement: ANK3 is on the minus strand). VCF-style: chr10-60072293-T-C. GRCh37 (hg19) VCF-style: chr10-61832051-T-C.
Other names: c.4388-4284A>G (NM_001204403.2); c.4409-4284A>G (NM_001204404.2); c.4406-4284A>G (NM_001320874.2); c.1808-4284A>G (NM_001149.4); short protein forms N2863S.
Identifiers: ClinVar variation 4536977 (VCV004536977.2).